The following is an entry in ClinVar:

ClinVar aggregate classification (germline): Conflicting classifications of pathogenicity. Review status: criteria provided, conflicting classifications (1 of 4 stars). 3 submissions from 3 submitters: Likely pathogenic (1); Uncertain significance (2). Last evaluated 2026-01-05.

Conditions:
Cardiovascular phenotype. Identifiers: MedGen CN230736.
Hereditary cancer-predisposing syndrome. Also called: Hereditary Cancer Syndrome; Neoplastic Syndromes, Hereditary; Tumor predisposition; Hereditary neoplastic syndrome. Identifiers: Orphanet 140162, MedGen C0027672, MeSH D009386, MONDO:0015356.
Multiple congenital anomalies/dysmorphic syndrome-intellectual disability. Identifiers: Orphanet 102283, MedGen C5680372, MONDO:0015159.

Allele frequency attached by ClinVar (database versions not stated): ExAC 0.00001; gnomAD exomes below 0.00001; TOPMed below 0.00001.

Submissions (3):

Labcorp Genetics (formerly Invitae), Labcorp
Classification: Uncertain significance. Last evaluated: 2026-01-05. Review status: criteria provided, single submitter. Criteria: Invitae Variant Classification Sherloc (09022015). Collection method: clinical testing. Allele origin: germline.
Comment: This sequence change replaces methionine, which is neutral and non-polar, with valine, which is neutral and non-polar, at codon 695 of the LZTR1 protein (p.Met695Val). This variant is present in population databases (rs776974984, gnomAD 0.003%). This variant has not been reported in the literature in individuals affected with LZTR1-related conditions. ClinVar contains an entry for this variant (Variation ID: 1785593). Invitae Evidence Modeling of protein sequence and biophysical properties (such as structural, functional, and spatial information, amino acid conservation, physicochemical variation, residue mobility, and thermodynamic stability) indicates that this missense variant is not expected to disrupt LZTR1 protein function with a negative predictive value of 80%. In summary, the available evidence is currently insufficient to determine the role of this variant in disease. Therefore, it has been classified as a Variant of Uncertain Significance.

Ambry Genetics
Classification: Uncertain significance for Cardiovascular phenotype; Hereditary cancer-predisposing syndrome. Last evaluated: 2024-06-27. Review status: criteria provided, single submitter. Criteria: Ambry Variant Classification Scheme 2023. Collection method: clinical testing. Allele origin: germline.
Comment: The p.M695V variant (also known as c.2083A>G), located in coding exon 18 of the LZTR1 gene, results from an A to G substitution at nucleotide position 2083. The methionine at codon 695 is replaced by valine, an amino acid with highly similar properties. This amino acid position is conserved. In addition, this alteration is predicted to be deleterious by in silico analysis. Based on the available evidence, the clinical significance of this variant remains unclear.

AURAGEN, Plan France Médecine Génomique
Classification: Likely pathogenic for Multiple congenital anomalies/dysmorphic syndrome-intellectual disability. Last evaluated: 2021-03-03. Review status: criteria provided, single submitter. Criteria: PFMG2025 (Lancet Reg Health Eur. 2025). Collection method: clinical testing. Allele origin: germline. Affected: yes.

NM_006767.4(LZTR1):c.2083A>G (p.Met695Val)

Gene: LZTR1 (leucine zipper like post translational regulator 1; plus strand). Cytogenetic location: 22q11.21.
Variant type: single nucleotide variant.
Coding change: c.2083A>G on transcript NM_006767.4 (MANE Select); coding-DNA position 2083, A replaced by G.
Protein change: p.Met695Val; replaces methionine 695 with valine.
Molecular consequence: missense variant.
Genome position (GRCh38, 1-based): chr22:20,995,976, A>G. VCF-style: chr22-20995976-A-G. GRCh37 (hg19) VCF-style: chr22-21350265-A-G.
Other names: short protein forms M695V.
Identifiers: ClinVar variation 1785593 (VCV001785593.5), dbSNP rs776974984, ClinGen allele CA10119238.